The following is an entry in ClinVar:

NM_014305.4(TGDS):c.554A>C (p.Lys185Thr)

Gene: TGDS (TDP-glucose 4,6-dehydratase; minus strand). Cytogenetic location: 13q32.1.
Variant type: single nucleotide variant.
Coding change: c.554A>C on transcript NM_014305.4 (MANE Select); coding-DNA position 554, A replaced by C.
Protein change: p.Lys185Thr; replaces lysine 185 with threonine.
Molecular consequence: missense variant. On other transcripts: non-coding transcript variant (2).
Genome position (GRCh38, 1-based): chr13:94,581,092, T>G on the plus strand (A>C on the coding strand, the complement: TGDS is on the minus strand). VCF-style: chr13-94581092-T-G. GRCh37 (hg19) VCF-style: chr13-95233346-T-G.
Other names: c.458A>C, p.Lys153Thr (NM_001304430.2); short protein forms K153T, K185T.
Identifiers: ClinVar variation 2585204 (VCV002585204.1), dbSNP rs1376678181, ClinGen allele CA388395023.

ClinVar aggregate classification (germline): Uncertain significance (1 of 4 stars; one submission).

Conditions:
Catel-Manzke syndrome. Also called: HYPERPHALANGY-CLINODACTYLY OF INDEX FINGER WITH PIERRE ROBIN SYNDROME; INDEX FINGER ANOMALY WITH PIERRE ROBIN SYNDROME; PIERRE ROBIN SYNDROME WITH HYPERPHALANGY AND CLINODACTYLY; MICROGNATHIA DIGITAL SYNDROME. Identifiers: Orphanet 1388, MedGen C1844887, MONDO:0014507, OMIM 616145.

gnomAD v4.1: 6 of 1,528,282 alleles (0.00039%); highest among the groups gnomAD compares: South Asian, 0.0081%; no homozygotes.

Submission:

Neuberg Centre For Genomic Medicine, NCGM
Classification: Uncertain significance for Catel-Manzke syndrome. Review status: criteria provided, single submitter. Criteria: ACMG Guidelines, 2015. Collection method: clinical testing. Allele origin: germline. Inheritance: Autosomal recessive inheritance. Affected: yes.
Comment: The missense variant c.554A>C (p.Lys185Thr) in TGDS gene has not been reported previously as a pathogenic variant nor as a benign variant, to our knowledge. The p.Lys185Thr variant is reported with the allele frequency (0.0008%) in the gnomAD Exomes and is novel (not in any individuals) in 1000 Genomes. The amino acid Lys at position 185 is changed to a Thr changing protein sequence and it might alter its composition and physico-chemical properties. The variant is predicted to be damaging by PolyPhen2 and the residue is conserved across species. The amino acid change p.Lys185Thr in TGDS is predicted as conserved by GERP++ and PhyloP across 100 vertebrates. For these reasons, this variant has been classified as Variant of Uncertain Significance (VUS).